The following is an entry in ClinVar:

ClinVar aggregate classification (germline): Uncertain significance (1 of 4 stars; one submission).

Conditions:
Familial thoracic aortic aneurysm and aortic dissection (TAAD). Also called: Thoracic aortic aneurysms and dissections. Identifiers: Orphanet 91387, MedGen C4707243, MONDO:0019625.

Allele frequency attached by ClinVar (database versions not stated): gnomAD exomes below 0.00001.
gnomAD v4.1: 1 of 1,611,286 alleles (0.000062%); highest among the groups gnomAD compares: Non-Finnish European, 0.000085%; no homozygotes.

Submission:

Ambry Genetics
Classification: Uncertain significance for Familial thoracic aortic aneurysm and aortic dissection. Last evaluated: 2025-06-30. Review status: criteria provided, single submitter. Criteria: Ambry Variant Classification Scheme 2023. Collection method: clinical testing. Allele origin: germline.
Comment: The c.3565+4G>A intronic variant results from a G to A substitution 4 nucleotides after coding exon 16 in the MYLK gene. This nucleotide position is poorly conserved in available vertebrate species. In silico splice site analysis predicts that this alteration will not have any significant effect on splicing. Based on the available evidence, the clinical significance of this variant remains unclear.

NM_053025.4(MYLK):c.3565+4G>A

Gene: MYLK (myosin light chain kinase; minus strand). Cytogenetic location: 3q21.1.
Variant type: single nucleotide variant.
Coding change: c.3565+4G>A on transcript NM_053025.4 (MANE Select); 4 bases into the intron after coding-DNA position 3565, G replaced by A.
Molecular consequence: intron variant.
Genome position (GRCh38, 1-based): chr3:123,692,731, C>T on the plus strand (G>A on the coding strand, the complement: MYLK is on the minus strand). VCF-style: chr3-123692731-C-T. GRCh37 (hg19) VCF-style: chr3-123411578-C-T.
Other names: c.3037+4G>A (NM_001321309.2); c.3358+4G>A (NM_053028.4, NM_053026.4); c.3565+4G>A (NM_053027.4).
Identifiers: ClinVar variation 1732735 (VCV001732735.3), dbSNP rs2474055978, ClinGen allele CA2577951860.